The following is an entry in ClinVar:

NM_004279.3(PMPCB):c.180A>G (p.Val60=)

Gene: PMPCB (peptidase, mitochondrial processing subunit beta; plus strand). Cytogenetic location: 7q22.1.
Variant type: single nucleotide variant.
Coding change: c.180A>G on transcript NM_004279.3 (MANE Select); coding-DNA position 180, A replaced by G.
Protein change: p.Val60=; no amino-acid change (valine 60 retained).
Molecular consequence: synonymous variant.
Genome position (GRCh38, 1-based): chr7:103,298,648, A>G. VCF-style: chr7-103298648-A-G. GRCh37 (hg19) VCF-style: chr7-102939095-A-G.
Identifiers: ClinVar variation 3350848 (VCV003350848.1).

ClinVar aggregate classification (germline): Likely benign (0 of 4 stars; one submission).

Conditions:
PMPCB-related disorder. Also called: PMPCB-related condition.

gnomAD v4.1: 1 of 1,613,902 alleles (0.000062%); highest among the groups gnomAD compares: Non-Finnish European, 0.000085%; no homozygotes.

Submission:

PreventionGenetics, part of Exact Sciences
Classification: Likely benign for PMPCB-related condition. Last evaluated: 2019-07-11. Review status: no assertion criteria provided. Collection method: clinical testing. Allele origin: germline.
Comment: This variant is classified as likely benign based on ACMG/AMP sequence variant interpretation guidelines (Richards et al. 2015 PMID: 25741868, with internal and published modifications).